The following is an entry in ClinVar:

NM_006035.4(CDC42BPB):c.3319C>G (p.Pro1107Ala)

Gene: CDC42BPB (CDC42 binding protein kinase beta; minus strand). Cytogenetic location: 14q32.32.
Variant type: single nucleotide variant.
Coding change: c.3319C>G on transcript NM_006035.4 (MANE Select); coding-DNA position 3319, C replaced by G.
Protein change: p.Pro1107Ala; replaces proline 1107 with alanine.
Molecular consequence: missense variant.
Genome position (GRCh38, 1-based): chr14:102,949,895, G>C on the plus strand (C>G on the coding strand, the complement: CDC42BPB is on the minus strand). VCF-style: chr14-102949895-G-C. GRCh37 (hg19) VCF-style: chr14-103416232-G-C.
Other names: c.3241C>G, p.Pro1081Ala (NM_001411054.1); short protein forms P1107A, P1081A.
Identifiers: ClinVar variation 4525796 (VCV004525796.1).

ClinVar aggregate classification (germline): Uncertain significance (1 of 4 stars; one submission).

Submission:

Women's Health and Genetics/Laboratory Corporation of America, LabCorp
Classification: Uncertain significance. Last evaluated: 2025-07-17. Review status: criteria provided, single submitter. Criteria: LabCorp Variant Classification Summary - May 2015. Collection method: clinical testing. Allele origin: germline.
Comment: Variant summary: CDC42BPB c.3319C>G (p.Pro1107Ala) results in a non-conservative amino acid change in the encoded protein sequence. Algorithms developed to predict the effect of missense changes on protein structure and function are either unavailable or do not agree on the potential impact of this missense change. The variant was absent in 250076 control chromosomes (gnomAD). The available data on variant occurrences in the general population are insufficient to allow any conclusion about variant significance. To our knowledge, no occurrence of c.3319C>G in individuals affected with Chilton-Okur Neurodevelopmental Syndrome and no experimental evidence demonstrating its impact on protein function have been reported. No submitters have cited clinical-significance assessments for this variant to ClinVar. Based on the evidence outlined above, the variant was classified as uncertain significance.